The following is an entry in ClinVar:

NM_012418.4(FSCN2):c.382G>C (p.Ala128Pro)

Gene: FSCN2 (fascin actin-bundling protein 2, retinal; plus strand). Cytogenetic location: 17q25.3.
Variant type: single nucleotide variant.
Coding change: c.382G>C on transcript NM_012418.4 (MANE Select); coding-DNA position 382, G replaced by C.
Protein change: p.Ala128Pro; replaces alanine 128 with proline.
Molecular consequence: missense variant.
Genome position (GRCh38, 1-based): chr17:81,528,913, G>C. VCF-style: chr17-81528913-G-C. GRCh37 (hg19) VCF-style: chr17-79495939-G-C.
Other names: c.382G>C, p.Ala128Pro (NM_001077182.3); short protein forms A128P.
Identifiers: ClinVar variation 1352202 (VCV001352202.8), dbSNP rs2032445730, ClinGen allele CA401470807.

ClinVar aggregate classification (germline): Uncertain significance (1 of 4 stars; one submission).

Allele frequency attached by ClinVar (database versions not stated): gnomAD exomes 0.00001.
gnomAD v4.1: 10 of 1,589,258 alleles (0.00063%); highest among the groups gnomAD compares: Non-Finnish European, 0.00085%; no homozygotes.

Submission:

Labcorp Genetics (formerly Invitae), Labcorp
Classification: Uncertain significance. Last evaluated: 2022-04-29. Review status: criteria provided, single submitter. Criteria: Invitae Variant Classification Sherloc (09022015). Collection method: clinical testing. Allele origin: germline.
Comment: This sequence change replaces alanine, which is neutral and non-polar, with proline, which is neutral and non-polar, at codon 128 of the FSCN2 protein (p.Ala128Pro). This variant is not present in population databases (gnomAD no frequency). In summary, the available evidence is currently insufficient to determine the role of this variant in disease. Therefore, it has been classified as a Variant of Uncertain Significance. Algorithms developed to predict the effect of missense changes on protein structure and function are either unavailable or do not agree on the potential impact of this missense change (SIFT: "Deleterious"; PolyPhen-2: "Possibly Damaging"; Align-GVGD: "Class C0"). This variant has not been reported in the literature in individuals affected with FSCN2-related conditions.